The following is an entry in ClinVar:

NM_001111125.3(IQSEC2):c.4214G>T (p.Gly1405Val)

Gene: IQSEC2 (IQ motif and Sec7 domain ArfGEF 2; minus strand). Cytogenetic location: Xp11.22.
Variant type: single nucleotide variant.
Coding change: c.4214G>T on transcript NM_001111125.3 (MANE Select); coding-DNA position 4214, G replaced by T.
Protein change: p.Gly1405Val; replaces glycine 1405 with valine.
Molecular consequence: missense variant. On other transcripts: 3 prime UTR variant (4), intron variant (2).
Genome position (GRCh38, 1-based): chrX:53,234,472, C>A on the plus strand (G>T on the coding strand, the complement: IQSEC2 is on the minus strand). VCF-style: chrX-53234472-C-A. GRCh37 (hg19) VCF-style: chrX-53263654-C-A.
Other names: c.*699G>T (NM_001410736.1, NM_001441093.1, NM_001441094.1 and 1 more transcripts); c.3451+1850G>T (NM_001441092.1); c.2740+1850G>T (NM_001441095.1); short protein forms G1405V.
Identifiers: ClinVar variation 4801011 (VCV004801011.1).

ClinVar aggregate classification (germline): Uncertain significance (1 of 4 stars; one submission).

Conditions:
Intellectual developmental disorder, X-linked 1. Also called: Atkin Flaitz Patil Smith syndrome; MENTAL RETARDATION, X-LINKED 18; MENTAL RETARDATION, X-LINKED 78; Intellectual disability, X-linked 1. Identifiers: Orphanet 777, MedGen C2931498, MONDO:0010656, OMIM 309530.

Submission:

Labcorp Genetics (formerly Invitae), Labcorp
Classification: Uncertain significance for Intellectual developmental disorder, X-linked 1. Last evaluated: 2025-12-16. Review status: criteria provided, single submitter. Criteria: Invitae Variant Classification Sherloc (09022015). Collection method: clinical testing. Allele origin: germline.
Comment: This sequence change replaces glycine, which is neutral and non-polar, with valine, which is neutral and non-polar, at codon 1405 of the IQSEC2 protein (p.Gly1405Val). This variant is not present in population databases (gnomAD no frequency). This variant has not been reported in the literature in individuals affected with IQSEC2-related conditions. Invitae Evidence Modeling of protein sequence and biophysical properties (such as structural, functional, and spatial information, amino acid conservation, physicochemical variation, residue mobility, and thermodynamic stability) indicates that this missense variant is not expected to disrupt IQSEC2 protein function with a negative predictive value of 95%. In summary, the available evidence is currently insufficient to determine the role of this variant in disease. Therefore, it has been classified as a Variant of Uncertain Significance.